The following is an entry in ClinVar:

NM_002880.4(RAF1):c.811C>A (p.Pro271Thr)

Gene: RAF1 (Raf-1 proto-oncogene, serine/threonine kinase; minus strand). Cytogenetic location: 3p25.2.
Variant type: single nucleotide variant.
Coding change: c.811C>A on transcript NM_002880.4 (MANE Select); coding-DNA position 811, C replaced by A.
Protein change: p.Pro271Thr; replaces proline 271 with threonine.
Molecular consequence: missense variant. On other transcripts: non-coding transcript variant (3).
Genome position (GRCh38, 1-based): chr3:12,604,159, G>T on the plus strand (C>A on the coding strand, the complement: RAF1 is on the minus strand). VCF-style: chr3-12604159-G-T. GRCh37 (hg19) VCF-style: chr3-12645658-G-T.
Other names: c.811C>A, p.Pro271Thr (NM_001354689.3, NM_001354690.3); c.568C>A, p.Pro190Thr (NM_001354691.3, NM_001354692.3, NM_001354694.3); c.712C>A, p.Pro238Thr (NM_001354693.3); c.469C>A, p.Pro157Thr (NM_001354695.3); short protein forms P190T, P271T, P238T, P157T.
Identifiers: ClinVar variation 849908 (VCV000849908.9), dbSNP rs1458313379, ClinGen allele CA351512112.

ClinVar aggregate classification (germline): Uncertain significance (1 of 4 stars; one submission).

Conditions:
RASopathy. Also called: rasopathies; Noonan spectrum disorder. Identifiers: Orphanet 536391, MedGen C5555857, MONDO:0021060.

Submission:

Labcorp Genetics (formerly Invitae), Labcorp
Classification: Uncertain significance for RASopathy. Last evaluated: 2019-12-17. Review status: criteria provided, single submitter. Criteria: Invitae Variant Classification Sherloc (09022015). Collection method: clinical testing. Allele origin: germline.
Comment: This variant is not present in population databases (ExAC no frequency). This sequence change replaces proline with threonine at codon 271 of the RAF1 protein (p.Pro271Thr). The proline residue is moderately conserved and there is a small physicochemical difference between proline and threonine. This variant has not been reported in the literature in individuals with RAF1-related conditions. Algorithms developed to predict the effect of missense changes on protein structure and function (SIFT, PolyPhen-2, Align-GVGD) all suggest that this variant is likely to be tolerated, but these predictions have not been confirmed by published functional studies and their clinical significance is uncertain. In summary, the available evidence is currently insufficient to determine the role of this variant in disease. Therefore, it has been classified as a Variant of Uncertain Significance.